The following is an entry in ClinVar:

NM_000444.6(PHEX):c.1806G>A (p.Trp602Ter)

Genes: PHEX (phosphate regulating endopeptidase X-linked; plus strand), PTCHD1-AS (PTCHD1 and PHEX antisense RNA; minus strand). Cytogenetic location: Xp22.11.
Variant type: single nucleotide variant.
Coding change: c.1806G>A on transcript NM_000444.6 (MANE Select); coding-DNA position 1806, G replaced by A.
Protein change: p.Trp602Ter; replaces tryptophan 602 with a stop codon.
Molecular consequence: nonsense.
Genome position (GRCh38, 1-based): chrX:22,221,650, G>A. VCF-style: chrX-22221650-G-A. GRCh37 (hg19) VCF-style: chrX-22239767-G-A.
Other names: c.1806G>A, p.Trp602Ter (NM_001282754.2); short protein forms W602*.
Identifiers: ClinVar variation 280078 (VCV000280078.8), dbSNP rs886041365, ClinGen allele CA10603716.

ClinVar aggregate classification (germline): Pathogenic. Review status: criteria provided, multiple submitters, no conflicts (2 of 4 stars). 3 submissions from 3 submitters: Pathogenic (3). Last evaluated 2025-08-09.

Submissions (3):

Labcorp Genetics (formerly Invitae), Labcorp
Classification: Pathogenic. Last evaluated: 2025-08-09. Review status: criteria provided, single submitter. Criteria: Invitae Variant Classification Sherloc (09022015). Collection method: clinical testing. Allele origin: germline.
Comment: This sequence change creates a premature translational stop signal (p.Trp602*) in the PHEX gene. It is expected to result in an absent or disrupted protein product. Loss-of-function variants in PHEX are known to be pathogenic (PMID: 9097956, 9106524, 19219621). This variant is not present in population databases (gnomAD no frequency). This premature translational stop signal has been observed in individual(s) with X-linked hypophosphatemia (PMID: 19219621, 28383812). ClinVar contains an entry for this variant (Variation ID: 280078). For these reasons, this variant has been classified as Pathogenic.

Centre of Medical Genetics, University Hospital Muenster
Classification: Pathogenic. Last evaluated: 2022-09-28. Review status: criteria provided, single submitter. Criteria: ACMG Guidelines, 2015. Collection method: clinical testing. Allele origin: unknown. Affected: yes. Observed: 1 variant allele, 1 heterozygote.
Comment: ACMG categories: PVS1,PM2,PP5

GeneDx
Classification: Pathogenic. Last evaluated: 2016-05-27. Review status: criteria provided, single submitter. Criteria: GeneDx Variant Classification (06012015). Collection method: clinical testing. Allele origin: germline. Affected: yes.
Comment: The W602X nonsense variant in the PHEX gene has been reported previously in association with X-linked hypophosphatemic rickets (Gaucher et al., 2009). This variant is predicted to cause loss of normal protein function either through protein truncation or nonsense-mediated mRNA decay. The variant was not observed in approximately 6,500 individuals of European and African American ancestry in the NHLBI Exome Sequencing Project, indicating it is not a common benign variant in these populations. Therefore, we consider this variant to be pathogenic.

Literature cited by the submitters: PubMed 9097956 (cited by Labcorp Genetics (formerly Invitae), Labcorp); PubMed 9106524 (cited by Labcorp Genetics (formerly Invitae), Labcorp); PubMed 19219621 (cited by Labcorp Genetics (formerly Invitae), Labcorp); PubMed 28383812 (cited by Labcorp Genetics (formerly Invitae), Labcorp).